The following is an entry in ClinVar:

ClinVar aggregate classification (germline): Likely benign. Review status: criteria provided, multiple submitters, no conflicts (2 of 4 stars). 2 submissions from 2 submitters: Likely benign (2). Last evaluated 2026-07-01.

Conditions:
Fanconi anemia (FA). Also called: Fanconi's anemia. Identifiers: Orphanet 84, MedGen C0015625, MeSH D005199, MONDO:0019391.

Allele frequency attached by ClinVar (database versions not stated): gnomAD 0.00001; ExAC 0.00002; gnomAD exomes 0.00002 and 0.00003; TOPMed 0.00002; 1000 Genomes Project 30x 0.00016; 1000 Genomes Project 0.00020.
gnomAD v4.1: 28 of 1,613,766 alleles (0.0017%); highest among the groups gnomAD compares: East Asian, 0.02%; no homozygotes.

Submissions (2):

CeGaT Center for Human Genetics Tuebingen
Classification: Likely benign. Last evaluated: 2026-07-01. Review status: criteria provided, single submitter. Criteria: CeGaT Center For Human Genetics Tuebingen Variant Classification Criteria Version 2. Collection method: clinical testing. Allele origin: germline. Affected: yes. Observed: 2 variant alleles.
Comment: FANCD2: BP4, BP7

Labcorp Genetics (formerly Invitae), Labcorp
Classification: Likely benign for Fanconi anemia. Last evaluated: 2025-11-19. Review status: criteria provided, single submitter. Criteria: Invitae Variant Classification Sherloc (09022015). Collection method: clinical testing. Allele origin: germline.

NM_001018115.3(FANCD2):c.2196G>A (p.Pro732=)

Genes: FANCD2 (FA complementation group D2; plus strand), LOC107303338 (3p25 FANCD2 Alu-mediated recombination region; plus strand). Cytogenetic location: 3p25.3.
Variant type: single nucleotide variant.
Coding change: c.2196G>A on transcript NM_001018115.3 (MANE Select); coding-DNA position 2196, G replaced by A.
Protein change: p.Pro732=; no amino-acid change (proline 732 retained).
Molecular consequence: synonymous variant.
Genome position (GRCh38, 1-based): chr3:10,065,421, G>A. VCF-style: chr3-10065421-G-A. GRCh37 (hg19) VCF-style: chr3-10107105-G-A.
Other names: c.2196G>A, p.Pro732= (NM_001319984.2, NM_001374254.1, NM_033084.6); c.2085G>A, p.Pro695= (NM_001374253.1).
Identifiers: ClinVar variation 1131732 (VCV001131732.29), dbSNP rs200848801, ClinGen allele CA2250004.